The following is an entry in ClinVar:

NM_002528.7(NTHL1):c.206A>T (p.Glu69Val)

Gene: NTHL1 (nth like DNA glycosylase 1; minus strand). Cytogenetic location: 16p13.3.
Variant type: single nucleotide variant.
Coding change: c.206A>T on transcript NM_002528.7 (MANE Select); coding-DNA position 206, A replaced by T.
Protein change: p.Glu69Val; replaces glutamic acid 69 with valine.
Molecular consequence: missense variant. On other transcripts: intron variant (1).
Genome position (GRCh38, 1-based): chr16:2,046,276, T>A on the plus strand (A>T on the coding strand, the complement: NTHL1 is on the minus strand). VCF-style: chr16-2046276-T-A. GRCh37 (hg19) VCF-style: chr16-2096277-T-A.
Other names: c.206A>T, p.Glu69Val (NM_001318193.2); c.24+4A>T (NM_001318194.2); short protein forms E69V.
Identifiers: ClinVar variation 1714905 (VCV001714905.5), dbSNP rs2548320775, ClinGen allele CA394297560.

ClinVar aggregate classification (germline): Uncertain significance (1 of 4 stars; one submission).

Submission:

Labcorp Genetics (formerly Invitae), Labcorp
Classification: Uncertain significance. Last evaluated: 2022-08-03. Review status: criteria provided, single submitter. Criteria: Invitae Variant Classification Sherloc (09022015). Collection method: clinical testing. Allele origin: germline.
Comment: In summary, the available evidence is currently insufficient to determine the role of this variant in disease. Therefore, it has been classified as a Variant of Uncertain Significance. Algorithms developed to predict the effect of sequence changes on RNA splicing suggest that this variant may disrupt the consensus splice site. Algorithms developed to predict the effect of missense changes on protein structure and function are either unavailable or do not agree on the potential impact of this missense change (SIFT: "Not Available"; PolyPhen-2: "Benign"; Align-GVGD: "Not Available"). This variant has not been reported in the literature in individuals affected with NTHL1-related conditions. This variant is not present in population databases (gnomAD no frequency). This sequence change replaces glutamic acid, which is acidic and polar, with valine, which is neutral and non-polar, at codon 77 of the NTHL1 protein (p.Glu77Val).